The following is an entry in ClinVar:

NM_000550.3(TYRP1):c.28G>C (p.Gly10Arg)

Gene: TYRP1 (tyrosinase related protein 1; plus strand). Cytogenetic location: 9p23.
Variant type: single nucleotide variant.
Coding change: c.28G>C on transcript NM_000550.3 (MANE Select); coding-DNA position 28, G replaced by C.
Protein change: p.Gly10Arg; replaces glycine 10 with arginine.
Molecular consequence: missense variant.
Genome position (GRCh38, 1-based): chr9:12,694,024, G>C. VCF-style: chr9-12694024-G-C. GRCh37 (hg19) VCF-style: chr9-12694024-G-C.
Other names: short protein forms G10R.
Identifiers: ClinVar variation 1463147 (VCV001463147.6), dbSNP rs2118216854, ClinGen allele CA372935963.
Genomic context (GRCh38, chr9:12,694,024, plus strand): 5'-AGGTCTTTGTTTTGCACTCTTATTTCAAGCAGAATGAGTGCTCCTAAACTCCTCTCTCTG[G>C]GCTGTATCTTCTTCCCCTTGCTACTTTTTCAGCAGGCCCGGGCTCAATTCCCAAGACAGT-3'
Protein context (NP_000541.1, residues 1-20): MSAPKLLSL[Gly10Arg]CIFFPLLLFQ

ClinVar aggregate classification (germline): Uncertain significance (1 of 4 stars; one submission).

Submission:

Labcorp Genetics (formerly Invitae), Labcorp
Classification: Uncertain significance. Last evaluated: 2021-12-02. Review status: criteria provided, single submitter. Criteria: Invitae Variant Classification Sherloc (09022015). Collection method: clinical testing. Allele origin: germline.
Comment: This variant has not been reported in the literature in individuals affected with TYRP1-related conditions. This sequence change replaces glycine, which is neutral and non-polar, with arginine, which is basic and polar, at codon 10 of the TYRP1 protein (p.Gly10Arg). This variant is not present in population databases (gnomAD no frequency). Algorithms developed to predict the effect of missense changes on protein structure and function output the following: SIFT: "Tolerated"; PolyPhen-2: "Benign"; Align-GVGD: "Class C0". The arginine amino acid residue is found in multiple mammalian species, which suggests that this missense change does not adversely affect protein function. In summary, the available evidence is currently insufficient to determine the role of this variant in disease. Therefore, it has been classified as a Variant of Uncertain Significance.